The following is an entry in ClinVar:

NM_000059.4(BRCA2):c.6007del (p.Glu2002_Ile2003insTer)

Gene: BRCA2 (BRCA2 DNA repair associated; plus strand). Cytogenetic location: 13q13.1.
Variant type: Deletion.
Coding change: c.6007del on transcript NM_000059.4 (MANE Select); coding-DNA position 6007, one base deleted (A; older notation c.6007delA).
Protein change: p.Glu2002_Ile2003insTer.
Molecular consequence: nonsense.
Genome position (GRCh38, 1-based): chr13:32,340,362, A deleted; the last of 3 consecutive A bases (chr13:32,340,360-32,340,362); deleting any one gives the same sequence. VCF-style (leftmost placement, unchanged base first): chr13-32340359-GA-G. GRCh37 (hg19) VCF-style: chr13-32914496-GA-G.
Other names: c.6007delA (NM_000059.3).
Identifiers: ClinVar variation 817000 (VCV000817000.8), dbSNP rs1593907194, ClinGen allele CA915948504.
Genomic context (GRCh38, chr13:32,340,359, plus strand): 5'-AGTGGAAAATCTGTCCAGGTATCAGATGCTTCATTACAAAACGCAAGACAAGTGTTTTCT[GA>G]AATAGAAGATAGTACCAAGCAAGTCTTTTCCAAAGTATTGTTTAAAAGTAACGAACATTC-3'

ClinVar aggregate classification (germline): Pathogenic. Review status: criteria provided, multiple submitters, no conflicts (2 of 4 stars). 2 submissions from 2 submitters: Pathogenic (2). Last evaluated 2021-10-06.

Conditions:
Hereditary breast ovarian cancer syndrome. Also called: Hereditary breast and ovarian cancer syndrome (HBOC); Breast and ovarian cancer; BRCA1- and BRCA2-Associated Hereditary Breast and Ovarian Cancer; Hereditary breast and/or ovarian cancer syndrome; Hereditary breast and ovarian cancer syndrome; Hereditary breast and ovarian cancer. Identifiers: Orphanet 145, MedGen C0677776, MeSH D061325, MONDO:0003582. Disease mechanism: loss of function.

Submissions (2):

Labcorp Genetics (formerly Invitae), Labcorp
Classification: Pathogenic for Hereditary breast ovarian cancer syndrome. Last evaluated: 2021-10-06. Review status: criteria provided, single submitter. Criteria: Invitae Variant Classification Sherloc (09022015). Collection method: clinical testing. Allele origin: germline.
Comment: This sequence change creates a premature translational stop signal (p.Ile2003*) in the BRCA2 gene. It is expected to result in an absent or disrupted protein product. Loss-of-function variants in BRCA2 are known to be pathogenic (PMID: 20104584). This variant is not present in population databases (ExAC no frequency). This variant has not been reported in the literature in individuals affected with BRCA2-related conditions. ClinVar contains an entry for this variant (Variation ID: 817000). For these reasons, this variant has been classified as Pathogenic.

GeneDx
Classification: Pathogenic. Last evaluated: 2018-05-10. Review status: criteria provided, single submitter. Criteria: GeneDx Variant Classification (06012015). Collection method: clinical testing. Allele origin: germline. Affected: yes.
Comment: This variant is denoted BRCA2 c.6007delA at the cDNA level and p.Ile2003Ter (I2003X) at the protein level. Using alternate nomenclature this variant would be defined as BRCA2 6235delA. The substitution creates a nonsense variant, which changes an Isoleucine to a premature stop codon (ATA>TAG), and is predicted to cause loss of normal protein function through either protein truncation or nonsense-mediated mRNA decay. Although this variant has not, to our knowledge, been reported in the literature, it is considered pathogenic.

Literature cited by the submitters: PubMed 20104584 (cited by Labcorp Genetics (formerly Invitae), Labcorp).